The following is an entry in ClinVar:

ClinVar aggregate classification (germline): Conflicting classifications of pathogenicity. Review status: criteria provided, conflicting classifications (1 of 4 stars). 2 submissions from 2 submitters: Uncertain significance (1); Likely benign (1). Last evaluated 2017-08-17.

Conditions:
Mitochondrial DNA depletion syndrome 13. Also called: FBXL4-Related Encephalomyopathic Mitochondrial DNA Depletion Syndrome; Mitochondrial DNA depletion syndrome 13 (encephalomyopathic type). Identifiers: Orphanet 369897, MedGen C3809592, MONDO:0014198, OMIM 615471.

Allele frequency attached by ClinVar (database versions not stated): gnomAD exomes below 0.00001; ExAC 0.00001.
gnomAD v4.1: 1 of 1,613,982 alleles (0.000062%); highest among the groups gnomAD compares: Admixed American, 0.0017%; no homozygotes.

Submissions (2):

Labcorp Genetics (formerly Invitae), Labcorp
Classification: Likely benign. Last evaluated: 2017-08-17. Review status: criteria provided, single submitter. Criteria: Invitae Variant Classification Sherloc (09022015). Collection method: clinical testing. Allele origin: germline.

Wong Mito Lab, Molecular and Human Genetics, Baylor College of Medicine
Classification: Uncertain significance for Mitochondrial DNA depletion syndrome 13. Last evaluated: 2017-08-10. Review status: criteria provided, single submitter. Criteria: ACMG Guidelines, 2015. Collection method: reference population. Allele origin: germline.
Comment: The NM_012160.4:c.36C>G (NP_036292.2:p.Thr12=) [GRCH38: NC_000006.12:g.98926953G>C] variant in FBXL4 gene is interpretated to be a Uncertain Significance - Conflicting Evidence based on ACMG guidelines (PMID: 25741868). This variant meets one or more of the following evidence codes reported in the ACMG-guideline. PM2:This variant is absent in key population databases. BP4:Computational evidence/predictors indicate no impact on the FBXL4 structure, function, or protein-protein interaction. BP7:The variant is silent with non predicted splice impact. Based on this evidence code ClinGen Pathogenicity Calculator (PMID:28081714) suggested that the variant is Uncertain Significance - Conflicting Evidence.

NM_001278716.2(FBXL4):c.36C>G (p.Thr12=)

Gene: FBXL4 (F-box and leucine rich repeat protein 4; minus strand). Cytogenetic location: 6q16.2.
Variant type: single nucleotide variant.
Coding change: c.36C>G on transcript NM_001278716.2 (MANE Select); coding-DNA position 36, C replaced by G.
Protein change: p.Thr12=; no amino-acid change (threonine 12 retained).
Molecular consequence: synonymous variant. On other transcripts: non-coding transcript variant (2).
Genome position (GRCh38, 1-based): chr6:98,926,953, G>C on the plus strand (C>G on the coding strand, the complement: FBXL4 is on the minus strand). VCF-style: chr6-98926953-G-C. GRCh37 (hg19) VCF-style: chr6-99374829-G-C.
Other names: c.36C>G, p.Thr12= (NM_012160.5).
Identifiers: ClinVar variation 437518 (VCV000437518.4), dbSNP rs749635212, ClinGen allele CA3933758.
Genomic context (GRCh38, chr6:98,926,953, plus strand): 5'-CATCATTTCTCCTCTTGTAGCTGTCCTGGCTCGGCGCCGAAGGCATATATAATAAAACAT[G>C]GTCAGAACTGTTAACATGGGAAAGACCGGTGACATCTAGATGTGAATTATGAAGCTTCAA-3'
Protein context (NP_001265645.1, residues 2-22): SPVFPMLTVL[Thr12=]MFYYICLRRR